The following is an entry in ClinVar:

ClinVar aggregate classification (germline): Uncertain significance (1 of 4 stars; one submission).

Submission:

Ambry Genetics
Classification: Uncertain significance. Last evaluated: 2025-07-10. Review status: criteria provided, single submitter. Criteria: Ambry Variant Classification Scheme 2023. Collection method: clinical testing. Allele origin: germline.
Comment: The p.P1621T variant (also known as c.4861C>A), located in coding exon 19 of the WNK2 gene, results from a C to A substitution at nucleotide position 4861. The proline at codon 1621 is replaced by threonine, an amino acid with highly similar properties. This amino acid position is conserved. In addition, this alteration is predicted to be tolerated by in silico analysis. Based on the available evidence, the clinical significance of this variant remains unclear.

NM_006648.4(WNK2):c.4861C>A (p.Pro1621Thr)

Gene: WNK2 (WNK lysine deficient protein kinase 2; plus strand). Cytogenetic location: 9q22.31.
Variant type: single nucleotide variant.
Coding change: c.4861C>A on transcript NM_006648.4 (MANE Select); coding-DNA position 4861, C replaced by A.
Protein change: p.Pro1621Thr; replaces proline 1621 with threonine.
Molecular consequence: missense variant.
Genome position (GRCh38, 1-based): chr9:93,289,615, C>A. VCF-style: chr9-93289615-C-A. GRCh37 (hg19) VCF-style: chr9-96051897-C-A.
Other names: c.4972C>A, p.Pro1658Thr (NM_001282394.3); short protein forms P1621T, P1658T.
Identifiers: ClinVar variation 4201606 (VCV004201606.1).
Genomic context (GRCh38, chr9:93,289,615, plus strand): 5'-GACCTGGCCCTGCCCCCAGTGCCTAAGGAGGCGGTCTCAGGGCGTGTCCAGCTGCCCCAG[C>A]CCTTGGTGAGTAGCTGCCTTGTCCCAGAGACACTGCCCTGGGTCAGGGGCCGGAGCCCGG-3'
Protein context (NP_006639.3, residues 1611-1631): AVSGRVQLPQ[Pro1621Thr]LVEKSELAPT